The following is an entry in ClinVar:

NM_030957.4(ADAMTS10):c.1293C>G (p.Phe431Leu)

Gene: ADAMTS10 (ADAM metallopeptidase with thrombospondin type 1 motif 10; minus strand). Cytogenetic location: 19p13.2.
Variant type: single nucleotide variant.
Coding change: c.1293C>G on transcript NM_030957.4 (MANE Select); coding-DNA position 1293, C replaced by G.
Protein change: p.Phe431Leu; replaces phenylalanine 431 with leucine.
Molecular consequence: missense variant.
Genome position (GRCh38, 1-based): chr19:8,596,117, G>C on the plus strand (C>G on the coding strand, the complement: ADAMTS10 is on the minus strand). VCF-style: chr19-8596117-G-C. GRCh37 (hg19) VCF-style: chr19-8661001-G-C.
Other names: short protein forms F431L.
Identifiers: ClinVar variation 1390066 (VCV001390066.8), dbSNP rs782470220, ClinGen allele CA403755277.
Genomic context (GRCh38, chr19:8,596,117, plus strand): 5'-CCAGGTGCATCCTCACTCTAGAAAGCTGGTGATGTAGTCACGGCTGCAGGATGACCACAC[G>C]AATGGGTTGGTCTTCATGGTAATGTGGGCAGCCATGAGCTTGGCTGGGTCCTGACCACGG-3'
Protein context (NP_112219.3, residues 421-441): AAHITMKTNP[Phe431Leu]VWSSCSRDYI

ClinVar aggregate classification (germline): Uncertain significance (1 of 4 stars; one submission).

Submission:

Labcorp Genetics (formerly Invitae), Labcorp
Classification: Uncertain significance. Last evaluated: 2023-10-05. Review status: criteria provided, single submitter. Criteria: Invitae Variant Classification Sherloc (09022015). Collection method: clinical testing. Allele origin: germline.
Comment: This sequence change replaces phenylalanine, which is neutral and non-polar, with leucine, which is neutral and non-polar, at codon 431 of the ADAMTS10 protein (p.Phe431Leu). This variant is not present in population databases (gnomAD no frequency). This variant has not been reported in the literature in individuals affected with ADAMTS10-related conditions. ClinVar contains an entry for this variant (Variation ID: 1390066). An algorithm developed to predict the effect of missense changes on protein structure and function (PolyPhen-2) suggests that this variant is likely to be disruptive. In summary, the available evidence is currently insufficient to determine the role of this variant in disease. Therefore, it has been classified as a Variant of Uncertain Significance.